The following is an entry in ClinVar:

ClinVar aggregate classification (germline): Uncertain significance. Review status: criteria provided, multiple submitters, no conflicts (2 of 4 stars). 3 submissions from 3 submitters: Uncertain significance (3). Last evaluated 2024-07-16.

Conditions:
Inborn genetic diseases. Identifiers: MedGen C0950123, MeSH D030342.

Allele frequency attached by ClinVar (database versions not stated): gnomAD 0.00001; ExAC 0.00002; TOPMed 0.00002.
gnomAD v4.1: 13 of 1,612,918 alleles (0.00081%); highest among the groups gnomAD compares: Admixed American, 0.005%; no homozygotes.

Submissions (3):

GeneDx
Classification: Uncertain significance. Last evaluated: 2024-07-16. Review status: criteria provided, single submitter. Criteria: GeneDx Variant Classification Process June 2021. Collection method: clinical testing. Allele origin: germline. Affected: yes.
Comment: Not observed at significant frequency in large population cohorts (gnomAD); In silico analysis supports that this missense variant has a deleterious effect on protein structure/function; Has not been previously published as pathogenic or benign to our knowledge

Labcorp Genetics (formerly Invitae), Labcorp
Classification: Uncertain significance. Last evaluated: 2024-02-23. Review status: criteria provided, single submitter. Criteria: Invitae Variant Classification Sherloc (09022015). Collection method: clinical testing. Allele origin: germline.
Comment: This sequence change replaces leucine, which is neutral and non-polar, with proline, which is neutral and non-polar, at codon 168 of the NDUFV2 protein (p.Leu168Pro). This variant is present in population databases (rs748118531, gnomAD 0.006%). This variant has not been reported in the literature in individuals affected with NDUFV2-related conditions. ClinVar contains an entry for this variant (Variation ID: 1924596). Advanced modeling of protein sequence and biophysical properties (such as structural, functional, and spatial information, amino acid conservation, physicochemical variation, residue mobility, and thermodynamic stability) performed at Invitae indicates that this missense variant is expected to disrupt NDUFV2 protein function with a positive predictive value of 80%. In summary, the available evidence is currently insufficient to determine the role of this variant in disease. Therefore, it has been classified as a Variant of Uncertain Significance.

Ambry Genetics
Classification: Uncertain significance for Inborn genetic diseases. Last evaluated: 2023-03-24. Review status: criteria provided, single submitter. Criteria: Ambry Variant Classification Scheme 2023. Collection method: clinical testing. Allele origin: germline.

NM_021074.5(NDUFV2):c.503T>C (p.Leu168Pro)

Genes: NDUFV2 (NADH:ubiquinone oxidoreductase core subunit V2; plus strand), NDUFV2-AS1 (NDUFV2 antisense RNA 1; minus strand). Cytogenetic location: 18p11.22.
Variant type: single nucleotide variant.
Coding change: c.503T>C on transcript NM_021074.5 (MANE Select); coding-DNA position 503, T replaced by C.
Protein change: p.Leu168Pro; replaces leucine 168 with proline.
Molecular consequence: missense variant.
Genome position (GRCh38, 1-based): chr18:9,124,907, T>C. VCF-style: chr18-9124907-T-C. GRCh37 (hg19) VCF-style: chr18-9124905-T-C.
Other names: c.503T>C (NM_021074.4, NM_021074.3); short protein forms L168P.
Identifiers: ClinVar variation 1924596 (VCV001924596.7), dbSNP rs748118531, ClinGen allele CA8887238.